The following is an entry in ClinVar:

ClinVar aggregate classification (germline): Benign/Likely benign. Review status: criteria provided, multiple submitters, no conflicts (2 of 4 stars). 4 submissions from 4 submitters: Benign (1); Likely benign (2). 1 of the submissions does not count toward it. Last evaluated 2026-01-27.

Conditions:
ZNF341-related disorder. Also called: ZNF341-related condition.

Allele frequency attached by ClinVar (database versions not stated): gnomAD exomes 0.00037 and 0.00092; ExAC 0.00120; 1000 Genomes Project 0.00359; gnomAD 0.00386 and 0.00406; 1000 Genomes Project 30x 0.00390; ESP Exome Variant Server 0.00415; TOPMed 0.00441.

Submissions (4):

Labcorp Genetics (formerly Invitae), Labcorp
Classification: Benign. Last evaluated: 2026-01-27. Review status: criteria provided, single submitter. Criteria: Invitae Variant Classification Sherloc (09022015). Collection method: clinical testing. Allele origin: germline.

Women's Health and Genetics/Laboratory Corporation of America, LabCorp
Classification: Likely benign. Last evaluated: 2026-01-23. Review status: criteria provided, single submitter. Criteria: LabCorp Variant Classification Summary - May 2015. Collection method: clinical testing. Allele origin: germline.

Blueprint Genetics
Classification: Likely benign. Last evaluated: 2024-07-04. Review status: criteria provided, single submitter. Criteria: ACMG Guidelines, 2015. Collection method: clinical testing. Allele origin: germline.

PreventionGenetics, part of Exact Sciences
Classification: Benign for ZNF341-related condition. Last evaluated: 2019-12-20. Review status: no assertion criteria provided. Collection method: clinical testing. Allele origin: germline. Not counted in ClinVar's aggregate classification.
Comment: This variant is classified as benign based on ACMG/AMP sequence variant interpretation guidelines (Richards et al. 2015 PMID: 25741868, with internal and published modifications).

NM_001282933.2(ZNF341):c.2036-9G>A

Genes: ZNF341 (zinc finger protein 341; plus strand), ZNF341-AS1 (ZNF341 antisense RNA 1; minus strand). Cytogenetic location: 20q11.22.
Variant type: single nucleotide variant.
Coding change: c.2036-9G>A on transcript NM_001282933.2 (MANE Select); 9 bases into the intron before coding-DNA position 2036, G replaced by A.
Molecular consequence: intron variant.
Genome position (GRCh38, 1-based): chr20:33,790,979, G>A. VCF-style: chr20-33790979-G-A. GRCh37 (hg19) VCF-style: chr20-32378785-G-A.
Other names: c.2015-9G>A (NM_032819.5); c.1766-9G>A (NM_001282935.2); c.2036-9G>A (NM_001282933.1).
Identifiers: ClinVar variation 1168952 (VCV001168952.13), dbSNP rs116035063, ClinGen allele CA9819680.